The following is an entry in ClinVar:

NM_001170629.2(CHD8):c.1900-6C>T

Gene: CHD8 (chromodomain helicase DNA binding protein 8; minus strand). Cytogenetic location: 14q11.2.
Variant type: single nucleotide variant.
Coding change: c.1900-6C>T on transcript NM_001170629.2 (MANE Select); 6 bases into the intron before coding-DNA position 1900, C replaced by T.
Molecular consequence: intron variant.
Genome position (GRCh38, 1-based): chr14:21,415,648, G>A on the plus strand (C>T on the coding strand, the complement: CHD8 is on the minus strand). VCF-style: chr14-21415648-G-A. GRCh37 (hg19) VCF-style: chr14-21883807-G-A.
Other names: c.1063-6C>T (NM_020920.4).
Identifiers: ClinVar variation 3363762 (VCV003363762.1).

ClinVar aggregate classification (germline): Uncertain significance (1 of 4 stars; one submission).

Submission:

GeneDx
Classification: Uncertain significance. Last evaluated: 2023-11-09. Review status: criteria provided, single submitter. Criteria: GeneDx Variant Classification Process June 2021. Collection method: clinical testing. Allele origin: germline. Affected: yes.
Comment: Not observed at significant frequency in large population cohorts (gnomAD); In silico analysis supports that this variant does not alter splicing; Nucleotide is not conserved across species and the substitution has no predicted effect on splicing; Has not been previously published as pathogenic or benign to our knowledge